The following is an entry in ClinVar:

ClinVar aggregate classification (germline): Uncertain significance (1 of 4 stars; one submission).

Conditions:
STRC-related disorder. Also called: STRC-related condition.

Submission:

PreventionGenetics, part of Exact Sciences
Classification: Uncertain significance for STRC-related condition. Last evaluated: 2025-07-07. Review status: criteria provided, single submitter. Criteria: ACMG Guidelines, 2015. Collection method: clinical testing. Allele origin: germline.
Comment: The STRC c.4843A>G variant is predicted to result in the amino acid substitution p.Ser1615Gly. To our knowledge, this variant has not been reported in the literature or in a large population database (gnomAD), indicating this variant is rare. At this time, the clinical significance of this variant is uncertain due to the absence of conclusive functional and genetic evidence.

NM_153700.2(STRC):c.4843A>G (p.Ser1615Gly)

Gene: STRC (stereocilin; minus strand). Cytogenetic location: 15q15.3.
Variant type: single nucleotide variant.
Coding change: c.4843A>G on transcript NM_153700.2 (MANE Select); coding-DNA position 4843, A replaced by G.
Protein change: p.Ser1615Gly; replaces serine 1615 with glycine.
Molecular consequence: missense variant.
Genome position (GRCh38, 1-based): chr15:43,600,873, T>C on the plus strand (A>G on the coding strand, the complement: STRC is on the minus strand). VCF-style: chr15-43600873-T-C. GRCh37 (hg19) VCF-style: chr15-43893071-T-C.
Other names: short protein forms S1615G.
Identifiers: ClinVar variation 5000410 (VCV005000410.1).